The following is an entry in ClinVar:

ClinVar aggregate classification (germline): Conflicting classifications of pathogenicity. Review status: criteria provided, conflicting classifications (1 of 4 stars). 4 submissions from 4 submitters: Uncertain significance (1); Likely benign (2). 1 of the submissions does not count toward it. Last evaluated 2026-08-01.

Conditions:
Combined oxidative phosphorylation deficiency 43. Identifiers: MedGen C5394284, MONDO:0030017, OMIM 618851.

Allele frequency attached by ClinVar (database versions not stated): 1000 Genomes Project 0.00240; 1000 Genomes Project 30x 0.00265; ExAC 0.00416; gnomAD 0.00417 and 0.00440; gnomAD exomes 0.00423 and 0.00642; TOPMed 0.00501; ESP Exome Variant Server 0.00577.
gnomAD v4.1: 10,065 of 1,613,452 alleles (0.62%); highest among the groups gnomAD compares: Non-Finnish European, 0.75%; 35 homozygotes.

Submissions (4):

CeGaT Center for Human Genetics Tuebingen
Classification: Likely benign. Last evaluated: 2026-08-01. Review status: criteria provided, single submitter. Criteria: CeGaT Center For Human Genetics Tuebingen Variant Classification Criteria Version 2. Collection method: clinical testing. Allele origin: germline. Affected: yes. Observed: 4 variant alleles.
Comment: TIMM22: BS2

Mendelics
Classification: Uncertain significance for Combined oxidative phosphorylation deficiency 43. Last evaluated: 2022-10-21. Review status: criteria provided, single submitter. Criteria: Mendelics Assertion Criteria 2019. Collection method: clinical testing. Allele origin: germline.

Department of Pathology and Laboratory Medicine, Sinai Health System
Classification: Likely benign for Combined oxidative phosphorylation deficiency 43. Last evaluated: 2022-05-06. Review status: criteria provided, single submitter. Criteria: ACMG Guidelines, 2015. Collection method: research. Allele origin: germline.

OMIM
Classification: Pathogenic for COMBINED OXIDATIVE PHOSPHORYLATION DEFICIENCY 43 (1 patient). Last evaluated: 2020-04-24. Review status: no assertion criteria provided. Collection method: literature only. Allele origin: germline. Not counted in ClinVar's aggregate classification.

Literature cited by the submitters: PubMed 30452684 (cited by OMIM).

NM_013337.4(TIMM22):c.97G>C (p.Val33Leu)

Gene: TIMM22 (translocase of inner mitochondrial membrane 22; plus strand). Cytogenetic location: 17p13.3.
Variant type: single nucleotide variant.
Coding change: c.97G>C on transcript NM_013337.4 (MANE Select); coding-DNA position 97, G replaced by C.
Protein change: p.Val33Leu; replaces valine 33 with leucine.
Molecular consequence: missense variant.
Genome position (GRCh38, 1-based): chr17:997,239, G>C. VCF-style: chr17-997239-G-C. GRCh37 (hg19) VCF-style: chr17-900479-G-C.
Other names: short protein forms V33L.
Identifiers: ClinVar variation 869639 (VCV000869639.28), dbSNP rs149879547, ClinGen allele CA8264390.